The following is an entry in ClinVar:

NM_001290060.2(SEMA3B):c.1594C>T (p.Pro532Ser)

Gene: SEMA3B (semaphorin 3B; plus strand). Cytogenetic location: 3p21.31.
Variant type: single nucleotide variant.
Coding change: c.1594C>T on transcript NM_001290060.2 (MANE Select); coding-DNA position 1594, C replaced by T.
Protein change: p.Pro532Ser; replaces proline 532 with serine.
Molecular consequence: missense variant.
Genome position (GRCh38, 1-based): chr3:50,275,404, C>T. VCF-style: chr3-50275404-C-T. GRCh37 (hg19) VCF-style: chr3-50312835-C-T.
Other names: c.1591C>T, p.Pro531Ser (NM_001005914.3, NM_001435957.1, NM_001435958.1); c.1609C>T, p.Pro537Ser (NM_001290061.1); c.565C>T, p.Pro189Ser (NM_001290062.2, NM_001290063.2); c.1594C>T, p.Pro532Ser (NM_001435956.1, NM_004636.4); short protein forms P532S, P531S, P537S, P189S.
Identifiers: ClinVar variation 4990344 (VCV004990344.1).

ClinVar aggregate classification (germline): Likely benign (1 of 4 stars; one submission).

Conditions:
SEMA3B-related disorder. Also called: SEMA3B-related condition.

gnomAD v4.1: 10 of 1,597,358 alleles (0.00063%); highest among the groups gnomAD compares: Admixed American, 0.017%; no homozygotes.

Submission:

PreventionGenetics, part of Exact Sciences
Classification: Likely benign for SEMA3B-related condition. Last evaluated: 2024-12-02. Review status: criteria provided, single submitter. Criteria: ACMG Guidelines, 2015. Collection method: clinical testing. Allele origin: germline.
Comment: This variant is classified as likely benign based on ACMG/AMP sequence variant interpretation guidelines (Richards et al. 2015 PMID: 25741868, with internal and published modifications).